The following is an entry in ClinVar:

ClinVar aggregate classification (germline): Uncertain significance (1 of 4 stars; one submission).

Conditions:
Intellectual developmental disorder, autosomal dominant 6, with or without seizures. Also called: GRIN2B-related developmental delay, intellectual disability and autism spectrum disorder; Intellectual disability, autosomal dominant 6. Identifiers: Orphanet 589547, MedGen C3151411, MONDO:0013509, OMIM 613970.
Developmental and epileptic encephalopathy, 27 (DEE27). Also called: Epileptic encephalopathy, early infantile, 27; GRIN2B-Related Neurodevelopmental Disorder. Identifiers: Orphanet 3451, MedGen C4015316, MONDO:0014505, OMIM 616139.

Allele frequency attached by ClinVar (database versions not stated): TOPMed 0.00001; gnomAD 0.00002.
gnomAD v4.1: 3 of 1,613,578 alleles (0.00019%); highest among the groups gnomAD compares: African/African-American, 0.0027%; no homozygotes.

Submission:

Labcorp Genetics (formerly Invitae), Labcorp
Classification: Uncertain significance for Developmental and epileptic encephalopathy, 27; Intellectual developmental disorder, autosomal dominant 6, with or without seizures. Last evaluated: 2025-10-21. Review status: criteria provided, single submitter. Criteria: Invitae Variant Classification Sherloc (09022015). Collection method: clinical testing. Allele origin: germline.
Comment: This sequence change replaces isoleucine, which is neutral and non-polar, with phenylalanine, which is neutral and non-polar, at codon 1179 of the GRIN2B protein (p.Ile1179Phe). This variant is not present in population databases (gnomAD no frequency). This variant has not been reported in the literature in individuals affected with GRIN2B-related conditions. ClinVar contains an entry for this variant (Variation ID: 2948084). Invitae Evidence Modeling of protein sequence and biophysical properties (such as structural, functional, and spatial information, amino acid conservation, physicochemical variation, residue mobility, and thermodynamic stability) indicates that this missense variant is not expected to disrupt GRIN2B protein function with a negative predictive value of 95%. In summary, the available evidence is currently insufficient to determine the role of this variant in disease. Therefore, it has been classified as a Variant of Uncertain Significance.

NM_000834.5(GRIN2B):c.3535A>T (p.Ile1179Phe)

Gene: GRIN2B (glutamate ionotropic receptor NMDA type subunit 2B; minus strand). Cytogenetic location: 12p13.1.
Variant type: single nucleotide variant.
Coding change: c.3535A>T on transcript NM_000834.5 (MANE Select); coding-DNA position 3535, A replaced by T.
Protein change: p.Ile1179Phe; replaces isoleucine 1179 with phenylalanine.
Molecular consequence: missense variant.
Genome position (GRCh38, 1-based): chr12:13,563,703, T>A on the plus strand (A>T on the coding strand, the complement: GRIN2B is on the minus strand). VCF-style: chr12-13563703-T-A. GRCh37 (hg19) VCF-style: chr12-13716637-T-A.
Other names: c.3535A>T, p.Ile1179Phe (NM_001413992.1); short protein forms I1179F.
Identifiers: ClinVar variation 2948084 (VCV002948084.3), dbSNP rs1409637036, ClinGen allele CA383988710.